The following is an entry in ClinVar:

ClinVar aggregate classification (germline): Likely benign (1 of 4 stars; one submission).

Submission:

CeGaT Center for Human Genetics Tuebingen
Classification: Likely benign. Last evaluated: 2026-05-01. Review status: criteria provided, single submitter. Criteria: CeGaT Center For Human Genetics Tuebingen Variant Classification Criteria Version 2. Collection method: clinical testing. Allele origin: germline. Affected: yes. Observed: 1 variant allele.
Comment: NOS3: BS2

NM_000603.5(NOS3):c.931C>T (p.Leu311Phe)

Gene: NOS3 (nitric oxide synthase 3; plus strand). Cytogenetic location: 7q36.1.
Variant type: single nucleotide variant.
Coding change: c.931C>T on transcript NM_000603.5 (MANE Select); coding-DNA position 931, C replaced by T.
Protein change: p.Leu311Phe; replaces leucine 311 with phenylalanine.
Molecular consequence: missense variant.
Genome position (GRCh38, 1-based): chr7:150,999,060, C>T. VCF-style: chr7-150999060-C-T. GRCh37 (hg19) VCF-style: chr7-150696148-C-T.
Other names: c.931C>T, p.Leu311Phe (NM_001160109.2, NM_001160110.1, NM_001160111.1); short protein forms L311F.
Identifiers: ClinVar variation 4821749 (VCV004821749.4).